The following is an entry in ClinVar:

NC_012920.1(MT-CYB):m.15522C>G

Gene: MT-CYB (mitochondrially encoded cytochrome b; plus strand).
Variant type: single nucleotide variant.
Genome position: chrM-15522-C-G.
Identifiers: ClinVar variation 693899 (VCV000693899.1), dbSNP rs1603225329, ClinGen allele CA913174099.

ClinVar aggregate classification (germline): Uncertain significance (1 of 4 stars; one submission).

Conditions:
Leigh syndrome (NULS). Also called: Leigh's necrotizing encephalopathy; Leigh's disease; Leigh's syndrome; LEIGH SYNDROME, NUCLEAR; Leigh Syndrome (mtDNA deletion); Leigh Disease. Identifiers: Orphanet 506, MedGen C2931891, MONDO:0009723, OMIM 256000.

Submission:

Wong Mito Lab, Molecular and Human Genetics, Baylor College of Medicine
Classification: Uncertain significance for Leigh syndrome. Last evaluated: 2019-10-17. Review status: criteria provided, single submitter. Criteria: Modified ACMG Guidelines (Unpublished). Collection method: clinical testing. Allele origin: germline.
Comment: The NC_012920.1:m.15522C>G (YP_003024038.1:p.Ala259Gly) variant in MTCYB gene is interpretated to be a Uncertain Significance variant based on the modified ACMG guidelines (unpublished). This variant meets the following evidence codes: PP7, BP6